The following is an entry in ClinVar:

ClinVar aggregate classification (germline): Conflicting classifications of pathogenicity. Review status: criteria provided, conflicting classifications (1 of 4 stars). 3 submissions from 3 submitters: Likely pathogenic (2); Uncertain significance (1). Last evaluated 2026-04-24.

Conditions:
Polycystic kidney disease, adult type (PKD1). Also called: Polycystic Kidney Disease 1, Autosomal Dominant; Polycystic kidney disease 1; Polycystic kidney disease 1, severe; Polycystic Kidney, Autosomal Dominant; POLYCYSTIC KIDNEY DISEASE, ADULT, TYPE I; POLYCYSTIC KIDNEY DISEASE 1 WITH OR WITHOUT POLYCYSTIC LIVER DISEASE. Identifiers: MedGen C3149841, MONDO:0008263, OMIM 173900.

Submissions (3):

Women's Health and Genetics/Laboratory Corporation of America, LabCorp
Classification: Uncertain significance. Last evaluated: 2026-04-24. Review status: criteria provided, single submitter. Criteria: LabCorp Variant Classification Summary - May 2015. Collection method: clinical testing. Allele origin: germline.
Comment: Variant summary: PKD1 c.9045C>G (p.Cys3015Trp) results in a non-conservative amino acid change in the encoded protein sequence. Algorithms developed to predict the effect of missense changes on protein structure and function all suggest that this variant is likely to be disruptive. The variant was absent in 247158 control chromosomes. The available data on variant occurrences in the general population are insufficient to allow any conclusion about variant significance. c.9045C>G has been observed in at least one individual affected with autosomal dominant Polycystic Kidney Disease (example: Wolff_2025). These data do not allow any conclusion about variant significance. At least one publication reports experimental evidence evaluating an impact on protein function in which it was demonstrated that the variant severely disrupts polycystin surface localization on the ciliary membrane of IMCD3 cells compared to wild type (example: Ha_2026). The following publications have been ascertained in the context of this evaluation (PMID: 39705090, 41665965). ClinVar contains an entry for this variant (Variation ID: 3234039). Based on the evidence outlined above, the variant was classified as uncertain significance.

Medical and Scientific Branch, Hong Kong Genome Institute
Classification: Likely pathogenic for Polycystic kidney disease, adult type. Last evaluated: 2026-01-26. Review status: criteria provided, single submitter. Criteria: ACMG Guidelines, 2015. Collection method: clinical testing. Allele origin: maternal. Affected: yes.

MVZ Medizinische Genetik Mainz
Classification: Likely pathogenic for Polycystic kidney disease, adult type. Last evaluated: 2022-08-11. Review status: criteria provided, single submitter. Criteria: UK Practice Guidelines For Variant Classification V4 01 2020. Collection method: clinical testing. Allele origin: germline. Inheritance: Autosomal dominant inheritance. Affected: yes. Observed: 1 variant allele.
Comment: ACMG Criteria: PM5, PS4_SUP, PM2_SUP, PP3, PP4

Literature cited by the submitters: PubMed 39705090 (cited by Women's Health and Genetics/Laboratory Corporation of America, LabCorp); PubMed 41665965 (cited by Women's Health and Genetics/Laboratory Corporation of America, LabCorp).

NM_001009944.3(PKD1):c.9045C>G (p.Cys3015Trp)

Gene: PKD1 (polycystin 1, transient receptor potential channel interacting; minus strand). Cytogenetic location: 16p13.3.
Variant type: single nucleotide variant.
Coding change: c.9045C>G on transcript NM_001009944.3 (MANE Select); coding-DNA position 9045, C replaced by G.
Protein change: p.Cys3015Trp; replaces cysteine 3015 with tryptophan.
Molecular consequence: missense variant.
Genome position (GRCh38, 1-based): chr16:2,102,537, G>C on the plus strand (C>G on the coding strand, the complement: PKD1 is on the minus strand). VCF-style: chr16-2102537-G-C. GRCh37 (hg19) VCF-style: chr16-2152538-G-C.
Other names: c.9045C>G, p.Cys3015Trp (NM_000296.4); short protein forms C3015W.
Identifiers: ClinVar variation 3234039 (VCV003234039.3), dbSNP rs1596522411, ClinGen allele CA394360758.